The following is an entry in ClinVar:

NM_017654.4(SAMD9):c.460C>T (p.Gln154Ter)

Gene: SAMD9 (sterile alpha motif domain containing 9; minus strand). Cytogenetic location: 7q21.2.
Variant type: single nucleotide variant.
Coding change: c.460C>T on transcript NM_017654.4 (MANE Select); coding-DNA position 460, C replaced by T.
Protein change: p.Gln154Ter; replaces glutamine 154 with a stop codon.
Molecular consequence: nonsense.
Genome position (GRCh38, 1-based): chr7:93,105,638, G>A on the plus strand (C>T on the coding strand, the complement: SAMD9 is on the minus strand). VCF-style: chr7-93105638-G-A. GRCh37 (hg19) VCF-style: chr7-92734951-G-A.
Other names: c.460C>T (NM_017654.3); c.460C>T, p.Gln154Ter (NM_001193307.2); short protein forms Q154*.
Identifiers: ClinVar variation 225463 (VCV000225463.6), dbSNP rs767558735, ClinGen allele CA4343140.
Genomic context (GRCh38, chr7:93,105,638, plus strand): 5'-GATATGGATTACTGAATTCATCAAATGGATATGATACACATGTCAGGTCTATGGATGGTT[G>A]CCTTTCCTTTGTATAATCTATTTTATCTTCTATGAGCTCAACTTTTAGTGACTTAGAACC-3'

ClinVar aggregate classification (germline): Conflicting classifications of pathogenicity. Review status: criteria provided, conflicting classifications (1 of 4 stars). 5 submissions from 5 submitters: Likely pathogenic (1); Uncertain significance (4). Last evaluated 2025-01-08.

Conditions:
MIRAGE syndrome. Also called: MYELODYSPLASIA, INFECTION, RESTRICTION OF GROWTH, ADRENAL HYPOPLASIA, GENITAL PHENOTYPES, AND ENTEROPATHY. Identifiers: Orphanet 494433, MedGen C4284088, MONDO:0014888, OMIM 617053.
Normophosphatemic familial tumoral calcinosis. Also called: CALCINOSIS, TUMORAL, WITH NORMOPHOSPHATEMIA. Identifiers: Orphanet 306658, Orphanet 53715, MedGen C1864861, MONDO:0012502, OMIM 610455.
Monosomy 7 myelodysplasia and leukemia syndrome 2. Identifiers: MedGen C5436668, MONDO:0030801, OMIM 619041.

Allele frequency attached by ClinVar (database versions not stated): ExAC 0.00001; gnomAD exomes 0.00001; TOPMed 0.00001.

Submissions (5):

Labcorp Genetics (formerly Invitae), Labcorp
Classification: Uncertain significance. Last evaluated: 2025-01-08. Review status: criteria provided, single submitter. Criteria: Invitae Variant Classification Sherloc (09022015). Collection method: clinical testing. Allele origin: germline.
Comment: This sequence change creates a premature translational stop signal (p.Gln154*) in the SAMD9 gene. While this is not anticipated to result in nonsense mediated decay, it is expected to disrupt the last 1436 amino acid(s) of the SAMD9 protein. This variant is present in population databases (rs767558735, gnomAD 0.01%). This premature translational stop signal has been observed in individual(s) with myelodysplastic syndrome (PMID: 30322869). ClinVar contains an entry for this variant (Variation ID: 225463). In summary, the available evidence is currently insufficient to determine the role of this variant in disease. Therefore, it has been classified as a Variant of Uncertain Significance.

Fulgent Genetics
Classification: Uncertain significance for Normophosphatemic familial tumoral calcinosis; MIRAGE syndrome; Monosomy 7 myelodysplasia and leukemia syndrome 2. Last evaluated: 2024-04-15. Review status: criteria provided, single submitter. Criteria: ACMG Guidelines, 2015. Collection method: clinical testing. Allele origin: germline.

GeneDx
Classification: Likely pathogenic. Last evaluated: 2023-02-09. Review status: criteria provided, single submitter. Criteria: GeneDx Variant Classification Process June 2021. Collection method: clinical testing. Allele origin: germline. Affected: yes.
Comment: Identified along with a second variant in SAMD9 in a patient with familial myelodysplastic syndrome in the published literature; however, segregation analysis was not performed (Nagata et al., 2018); Nonsense variant in the C-terminus predicted to result in protein truncation, as the last 1436 amino acids are lost, and other loss-of-function variants have been reported downstream in the Human Gene Mutation Database (HGMD); Not observed at significant frequency in large population cohorts (gnomAD); This variant is associated with the following publications: (PMID: 16960814, 18094730, 30322869, 24077912, 28545555)

Blueprint Genetics
Classification: Uncertain significance. Last evaluated: 2020-08-28. Review status: criteria provided, single submitter. Criteria: ACMG Guidelines, 2015. Collection method: clinical testing. Allele origin: germline.

Soonchunhyang University Bucheon Hospital, Soonchunhyang University Medical Center
Classification: Uncertain significance for Normophosphatemic familial tumoral calcinosis. Last evaluated: 2016-03-18. Review status: criteria provided, single submitter. Criteria: ACMG Guidelines, 2015. Collection method: reference population. Allele origin: germline. Observed: 1 variant allele.

Literature cited by the submitters: PubMed 30322869 (cited by Labcorp Genetics (formerly Invitae), Labcorp); PubMed 16960814 (cited by Soonchunhyang University Bucheon Hospital, Soonchunhyang University Medical Center); PubMed 18094730 (cited by Soonchunhyang University Bucheon Hospital, Soonchunhyang University Medical Center).